The following is an entry in ClinVar:

NM_000059.4(BRCA2):c.8856G>A (p.Met2952Ile)

Gene: BRCA2 (BRCA2 DNA repair associated; plus strand). Cytogenetic location: 13q13.1.
Variant type: single nucleotide variant.
Coding change: c.8856G>A on transcript NM_000059.4 (MANE Select); coding-DNA position 8856, G replaced by A.
Protein change: p.Met2952Ile; replaces methionine 2952 with isoleucine.
Molecular consequence: missense variant. On other transcripts: non-coding transcript variant (1).
Genome position (GRCh38, 1-based): chr13:32,379,418, G>A. VCF-style: chr13-32379418-G-A. GRCh37 (hg19) VCF-style: chr13-32953555-G-A.
Other names: c.8760G>A, p.Met2920Ile (NM_001406719.1); c.8856G>A, p.Met2952Ile (NM_001406720.1); c.3924G>A, p.Met1308Ile (NM_001406721.1); c.2439G>A, p.Met813Ile (NM_001406722.1); short protein forms M2920I, M813I, M1308I, M2952I.
Identifiers: ClinVar variation 2811637 (VCV002811637.6), dbSNP rs2137619897, ClinGen allele CA387756309.

ClinVar aggregate classification (germline): Uncertain significance. Review status: criteria provided, multiple submitters, no conflicts (2 of 4 stars). 3 submissions from 3 submitters: Uncertain significance (3). Last evaluated 2025-06-25.

Conditions:
Hereditary breast ovarian cancer syndrome. Also called: Hereditary breast and ovarian cancer; Hereditary breast and ovarian cancer syndrome; Breast and ovarian cancer; BRCA1- and BRCA2-Associated Hereditary Breast and Ovarian Cancer; Hereditary breast and ovarian cancer syndrome (HBOC); Hereditary breast and/or ovarian cancer syndrome. Identifiers: Orphanet 145, MedGen C0677776, MeSH D061325, MONDO:0003582. Disease mechanism: loss of function.
Hereditary cancer-predisposing syndrome. Also called: Tumor predisposition; Hereditary Cancer Syndrome; Hereditary neoplastic syndrome; Neoplastic Syndromes, Hereditary. Identifiers: Orphanet 140162, MedGen C0027672, MeSH D009386, MONDO:0015356.

Submissions (3):

Ambry Genetics
Classification: Uncertain significance for Hereditary cancer-predisposing syndrome. Last evaluated: 2025-06-25. Review status: criteria provided, single submitter. Criteria: Ambry Variant Classification Scheme 2023. Collection method: clinical testing. Allele origin: germline.
Comment: The p.M2952I variant (also known as c.8856G>A), located in coding exon 21 of the BRCA2 gene, results from a G to A substitution at nucleotide position 8856. The methionine at codon 2952 is replaced by isoleucine, an amino acid with highly similar properties. This amino acid position is not well conserved in available vertebrate species. In addition, this alteration is predicted to be tolerated by in silico analysis. Based on the available evidence, the clinical significance of this variant remains unclear.

Quest Diagnostics Nichols Institute San Juan Capistrano
Classification: Uncertain significance. Last evaluated: 2024-12-03. Review status: criteria provided, single submitter. Criteria: Quest Diagnostics criteria. Collection method: clinical testing. Allele origin: unknown.
Comment: The BRCA2 c.8856G>A (p.Met2952Ile) variant has not been reported in individuals with BRCA2-related conditions in the published literature. It also has not been reported in large, multi-ethnic general populations (Genome Aggregation Database). Analysis of this variant using bioinformatics tools for the prediction of the effect of amino acid changes on protein structure and function yielded predictions that this variant is benign. Based on the available information, we are unable to determine the clinical significance of this variant.

Labcorp Genetics (formerly Invitae), Labcorp
Classification: Uncertain significance for Hereditary breast ovarian cancer syndrome. Last evaluated: 2022-11-02. Review status: criteria provided, single submitter. Criteria: Invitae Variant Classification Sherloc (09022015). Collection method: clinical testing. Allele origin: germline.
Comment: In summary, the available evidence is currently insufficient to determine the role of this variant in disease. Therefore, it has been classified as a Variant of Uncertain Significance. Advanced modeling of protein sequence and biophysical properties (such as structural, functional, and spatial information, amino acid conservation, physicochemical variation, residue mobility, and thermodynamic stability) performed at Invitae indicates that this missense variant is not expected to disrupt BRCA2 protein function. This variant has not been reported in the literature in individuals affected with BRCA2-related conditions. This variant is not present in population databases (gnomAD no frequency). This sequence change replaces methionine, which is neutral and non-polar, with isoleucine, which is neutral and non-polar, at codon 2952 of the BRCA2 protein (p.Met2952Ile).